The following is an entry in ClinVar:

ClinVar aggregate classification (germline): Pathogenic. Review status: criteria provided, multiple submitters, no conflicts (2 of 4 stars). 19 submissions from 19 submitters: Pathogenic (15). 4 of the submissions do not count toward it. Last evaluated 2026-05-05.

Conditions:
Lysosomal storage disease. Also called: Lysosomal storage disorder. Identifiers: Orphanet 68366, MedGen C0085078, MONDO:0002561.
Inborn genetic diseases. Identifiers: MedGen C0950123, MeSH D030342.
Sialic acid storage disease, severe infantile type (ISSD). Also called: INFANTILE SIALIC ACID STORAGE DISORDER; N-ACETYLNEURAMINIC ACID STORAGE DISEASE; NANA STORAGE DISEASE; SIALURIA, INFANTILE FORM; Infantile Sialic Acid Storage Disease; Free sialic acid storage disease, infantile form. Identifiers: Orphanet 309324, Orphanet 834, MedGen C1096902, MONDO:0010027, OMIM 269920.
Salla disease (SD). Also called: Sialuria, Finnish type; N-acetylneuraminic acid (NANA) storage disease (NSD); Infantile sialic acid storage disorder (ISSD); Less Severe FSASD (Salla Disease). Identifiers: Orphanet 309334, Orphanet 834, MedGen C1096903, MONDO:0011449, OMIM 604369.

Allele frequency attached by ClinVar (database versions not stated): ExAC 0.00002; gnomAD exomes 0.00003; gnomAD 0.00007; TOPMed 0.00012; 1000 Genomes Project 0.00020; 1000 Genomes Project 30x 0.00031.
gnomAD v4.1: 141 of 1,614,010 alleles (0.0087%); highest among the groups gnomAD compares: Middle Eastern, 0.016%; no homozygotes.

Submissions 1 to 12 of 19:

Ambry Genetics
Classification: Pathogenic for Inborn genetic diseases. Last evaluated: 2026-05-05. Review status: criteria provided, single submitter. Criteria: Ambry Variant Classification Scheme 2023. Collection method: clinical testing. Allele origin: germline.
Comment: The c.406A>G (p.K136E) alteration is located in exon 3 (coding exon 3) of the SLC17A5 gene. This alteration results from a A to G substitution at nucleotide position 406, causing the lysine (K) at amino acid position 136 to be replaced by a glutamic acid (E). Based on data from gnomAD, this allele has an overall frequency of 0.003% (8/251472) total alleles studied. This variant has been identified in the homozygous state and/or in conjunction with other SLC17A5 variant(s) in individual(s) with features consistent with free sialic acid storage disorders (Aula, 2000; Biancheri, 2005; Mochel, 2009; Mena, 2020; Miller, 2020). This amino acid position is highly conserved in available vertebrate species. Functional studies suggest that this variant is associated with loss of function; however, additional evidence is needed to confirm these findings (Wreden, 2005; Miyaji, 2011). This alteration is predicted to be deleterious by in silico analysis. Based on the available evidence, this alteration is classified as pathogenic.

Wales Gene Park, Division Of Cancer and Genetics, Cardiff University
Classification: Pathogenic for Inborn genetic diseases. Last evaluated: 2026-04-28. Review status: criteria provided, single submitter. Criteria: ACGS Best Practice Guidelines for Variant Classification in Rare Disease 2024. Collection method: research. Allele origin: inherited. Inheritance: Autosomal recessive inheritance. Study: 100,000 Genomes Project (Wales).
Comment: Inherited SLC17A5 missense variant detected by trio genome sequencing. Low allele frequency in gnomAD (v4.1.1). REVEL score 0.749. Another missense change at same residue reported in ClinVar as pathogenic (p.Lys136Arg, Accession: VCV002068802.4) . This variant has been found homozygous or compound heterozygous with other SLC17A5 variants in individuals with features consistent with free sialic acid storage disorders. Functional studies suggest that this variant is associated with loss of function. Evidence codes: PS3, PM2, PM3_strong, PP3, PM5.

Labcorp Genetics (formerly Invitae), Labcorp
Classification: Pathogenic for Salla disease. Last evaluated: 2026-02-02. Review status: criteria provided, single submitter. Criteria: Invitae Variant Classification Sherloc (09022015). Collection method: clinical testing. Allele origin: germline.
Comment: This sequence change replaces lysine, which is basic and polar, with glutamic acid, which is acidic and polar, at codon 136 of the SLC17A5 protein (p.Lys136Glu). This variant is present in population databases (rs80338795, gnomAD 0.007%). This missense change has been observed in individuals with SLC17A5-related conditions (PMID: 10947946, 16170568, 19557856). It has also been observed to segregate with disease in related individuals. ClinVar contains an entry for this variant (Variation ID: 21493). Invitae Evidence Modeling of protein sequence and biophysical properties (such as structural, functional, and spatial information, amino acid conservation, physicochemical variation, residue mobility, and thermodynamic stability) indicates that this missense variant is expected to disrupt SLC17A5 protein function with a positive predictive value of 95%. Experimental studies have shown that this missense change affects SLC17A5 function (PMID: 15510212, 15516337, 21781115). For these reasons, this variant has been classified as Pathogenic.

Natera, Inc.
Classification: Pathogenic for Salla disease. Last evaluated: 2025-08-14. Review status: criteria provided, single submitter. Criteria: Natera Variant Classification Schema (03/2026). Collection method: clinical testing. Allele origin: germline.
Comment: The c.406A>G variant in SLC17A5 is a missense variant predicted to cause substitution of lysine to glutamic acid at amino acid 136. This variant is rare in the general population with a frequency below the threshold expected for the associated phenotype(s). This variant has been observed in one or more individuals affected with the associated recessive disease, as either homozygous or compound heterozygous with a second variant (PMID: 10947946, 19557856, 16170568). Additionally, this variant has been observed to segregate in affected family members (PMID: 19557856). Computational prediction algorithms indicate this variant is likely to affect gene or protein function. Given the available evidence, this variant is classified as Pathogenic.

Women's Health and Genetics/Laboratory Corporation of America, LabCorp
Classification: Pathogenic for Salla disease. Last evaluated: 2025-02-24. Review status: criteria provided, single submitter. Criteria: LabCorp Variant Classification Summary - May 2015. Collection method: clinical testing. Allele origin: germline.
Comment: Variant summary: SLC17A5 c.406A>G (p.Lys136Glu) results in a conservative amino acid change located in the Major facilitator superfamily domain (IPR020846) of the encoded protein sequence. Four of five in-silico tools predict a damaging effect of the variant on protein function. The variant allele was found at a frequency of 3.2e-05 in 251472 control chromosomes (gnomAD). c.406A>G has been reported in the literature in individuals affected with Salla disease (Morin_2004, Mochel_2009). These data indicate that the variant is likely to be associated with disease. Multiple publications reported experimental evidence evaluating an impact on protein function and this variant affected the SLC17A5 protein function (Miyaji_2011, Morin_2004, Wreden_2005). The following publications have been ascertained in the context of this evaluation (PMID: 21781115, 20101035, 15510212, 15516337). ClinVar contains an entry for this variant (Variation ID: 21493). Based on the evidence outlined above, the variant was classified as pathogenic.

North West Genomic Laboratory Hub, Manchester University NHS Foundation Trust
Classification: Pathogenic for Lysosomal storage disorder. Last evaluated: 2024-06-05. Review status: criteria provided, single submitter. Criteria: ACGS Best Practice Guidelines for Variant Classification in Rare Disease 2020. Collection method: clinical testing. Allele origin: germline. Affected: yes.
Comment: PM3_Str PM2_Mod PP3_Supp PS3_Mod PP4_Mod

Baylor Genetics
Classification: Pathogenic for Salla disease. Last evaluated: 2024-01-23. Review status: criteria provided, single submitter. Criteria: ACMG Guidelines, 2015. Collection method: clinical testing. Allele origin: unknown.

GeneDx
Classification: Pathogenic. Last evaluated: 2023-11-12. Review status: criteria provided, single submitter. Criteria: GeneDx Variant Classification Process June 2021. Collection method: clinical testing. Allele origin: germline. Affected: yes.
Comment: Published functional studies demonstrate approximately 10% residual enzyme activity compared to wild-type, similar to the R39C variant, the common variant associated with Salla disease (PMID: 15516337); Another published functional study found that K136E mutant sialin protein did not transport aspartate and glutamate; however, H+/sialic acid co-transport activity was 50% of the wild-type protein, which was also similar to the results seen for the R39C variant (PMID: 21781115); Not observed at significant frequency in large population cohorts (gnomAD); In silico analysis supports that this missense variant has a deleterious effect on protein structure/function; This variant is associated with the following publications: (PMID: 10947946, 19557856, 15510212, 33862140, 16170568, 32371413, 32608236, 36662855, 37713976, 37272184, 21781115, 15516337)

Mayo Clinic Laboratories, Mayo Clinic
Classification: Pathogenic. Last evaluated: 2023-10-06. Review status: criteria provided, single submitter. Criteria: ACMG Guidelines, 2015. Collection method: clinical testing. Allele origin: germline. Observed: 1 variant allele.
Comment: PP1_strong, PP3, PM2_moderate, PM3_very_strong, PS3, PS4_moderate

CeGaT Center for Human Genetics Tuebingen
Classification: Pathogenic. Last evaluated: 2023-03-01. Review status: criteria provided, single submitter. Criteria: CeGaT Center For Human Genetics Tuebingen Variant Classification Criteria Version 2. Collection method: clinical testing. Allele origin: germline. Affected: yes. Observed: 2 variant alleles.
Comment: SLC17A5: PM3:Strong, PS4, PM2, PS3:Supporting

Genome-Nilou Lab
Classification: Pathogenic for Salla disease. Last evaluated: 2021-09-05. Review status: criteria provided, single submitter. Criteria: ACMG Guidelines, 2015. Collection method: clinical testing. Allele origin: germline. Affected: no.

New York Genome Center
Classification: Pathogenic for Salla disease. Last evaluated: 2020-08-26. Review status: criteria provided, single submitter. Criteria: NYGC Assertion Criteria 2020. Collection method: clinical testing. Allele origin: germline. Observed: 1 heterozygote. Study: CSER-NYCKidSeq.

NM_012434.5(SLC17A5):c.406A>G (p.Lys136Glu)

Gene: SLC17A5 (solute carrier family 17 member 5; minus strand). Cytogenetic location: 6q13.
Variant type: single nucleotide variant.
Coding change: c.406A>G on transcript NM_012434.5 (MANE Select); coding-DNA position 406, A replaced by G.
Protein change: p.Lys136Glu; replaces lysine 136 with glutamic acid.
Molecular consequence: missense variant.
Genome position (GRCh38, 1-based): chr6:73,641,810, T>C on the plus strand (A>G on the coding strand, the complement: SLC17A5 is on the minus strand). VCF-style: chr6-73641810-T-C. GRCh37 (hg19) VCF-style: chr6-74351533-T-C.
Other names: short protein forms K136E.
Identifiers: ClinVar variation 21493 (VCV000021493.72), dbSNP rs80338795, ClinGen allele CA342129.
Genomic context (GRCh38, chr6:73,641,810, plus strand): 5'-CAATGGGAGTGAACAGGGTGAGGACAGCAGTGCCAAGGATCCCAAATCCTAGCAGCATTT[T>C]CCCCCCTATTTTGCTGGCAACATATCCTCCAGGAATCTGTGTGATGATGTAGCCATAAAA-3'
Protein context (NP_036566.1, residues 126-146): GGYVASKIGG[Lys136Glu]MLLGFGILGT